The following is an entry in ClinVar:

NM_030665.4(RAI1):c.4039A>G (p.Lys1347Glu)

Gene: RAI1 (retinoic acid induced 1; plus strand). Cytogenetic location: 17p11.2.
Variant type: single nucleotide variant.
Coding change: c.4039A>G on transcript NM_030665.4 (MANE Select); coding-DNA position 4039, A replaced by G.
Protein change: p.Lys1347Glu; replaces lysine 1347 with glutamic acid.
Molecular consequence: missense variant.
Genome position (GRCh38, 1-based): chr17:17,796,987, A>G. VCF-style: chr17-17796987-A-G. GRCh37 (hg19) VCF-style: chr17-17700301-A-G.
Other names: short protein forms K1347E.
Identifiers: ClinVar variation 212010 (VCV000212010.41), dbSNP rs34521483, ClinGen allele CA207840.

ClinVar aggregate classification (germline): Conflicting classifications of pathogenicity. Review status: criteria provided, conflicting classifications (1 of 4 stars). 9 submissions from 9 submitters: Uncertain significance (1); Benign (2); Likely benign (4). 2 of the submissions do not count toward it. Last evaluated 2026-03-01.

Conditions:
Inborn genetic diseases. Identifiers: MedGen C0950123, MeSH D030342.

Allele frequency attached by ClinVar (database versions not stated): 1000 Genomes Project 30x 0.00016; 1000 Genomes Project 0.00020; ExAC 0.00048; gnomAD exomes 0.00049 and 0.00105; TOPMed 0.00062; gnomAD 0.00068 and 0.00070; ESP Exome Variant Server 0.00085.
gnomAD v4.1: 1,598 of 1,613,858 alleles (0.099%); highest among the groups gnomAD compares: Non-Finnish European, 0.13%; 1 homozygote.

Submissions (9):

CeGaT Center for Human Genetics Tuebingen
Classification: Likely benign. Last evaluated: 2026-03-01. Review status: criteria provided, single submitter. Criteria: CeGaT Center For Human Genetics Tuebingen Variant Classification Criteria Version 2. Collection method: clinical testing. Allele origin: germline. Affected: yes. Observed: 3 variant alleles.
Comment: RAI1: BP4, BS1

Labcorp Genetics (formerly Invitae), Labcorp
Classification: Likely benign. Last evaluated: 2026-01-28. Review status: criteria provided, single submitter. Criteria: Invitae Variant Classification Sherloc (09022015). Collection method: clinical testing. Allele origin: germline.

Blueprint Genetics
Classification: Likely benign. Last evaluated: 2024-11-18. Review status: criteria provided, single submitter. Criteria: ACMG Guidelines, 2015. Collection method: clinical testing. Allele origin: germline.

GeneDx
Classification: Benign. Last evaluated: 2019-10-01. Review status: criteria provided, single submitter. Criteria: GeneDx Variant Classification Process June 2021. Collection method: clinical testing. Allele origin: germline. Affected: yes.

Ambry Genetics
Classification: Likely benign for Inborn genetic diseases. Last evaluated: 2017-11-02. Review status: criteria provided, single submitter. Criteria: Ambry Variant Classification Scheme 2023. Collection method: clinical testing. Allele origin: germline.

Athena Diagnostics
Classification: Uncertain significance. Last evaluated: 2016-11-16. Review status: criteria provided, single submitter. Criteria: Athena Diagnostics Criteria. Collection method: clinical testing. Allele origin: germline.

Genetic Services Laboratory, University of Chicago
Classification: Benign. Last evaluated: 2016-06-24. Review status: criteria provided, single submitter. Criteria: ACMG Guidelines, 2015. Collection method: clinical testing. Allele origin: germline. Affected: no.

Clinical Genetics DNA and cytogenetics Diagnostics Lab, Erasmus MC, Erasmus Medical Center
Classification: Likely benign. Review status: no assertion criteria provided. Collection method: clinical testing. Allele origin: germline. Affected: yes. Study: VKGL Data-share Consensus. Not counted in ClinVar's aggregate classification.

Diagnostic Laboratory, Department of Genetics, University Medical Center Groningen
Classification: Likely benign. Review status: no assertion criteria provided. Collection method: clinical testing. Allele origin: germline. Affected: yes. Study: VKGL Data-share Consensus. Not counted in ClinVar's aggregate classification.